The following is an entry in ClinVar:

NM_007373.4(SHOC2):c.290G>T (p.Cys97Phe)

Gene: SHOC2 (SHOC2 leucine rich repeat scaffold protein; plus strand). Cytogenetic location: 10q25.2.
Variant type: single nucleotide variant.
Coding change: c.290G>T on transcript NM_007373.4 (MANE Select); coding-DNA position 290, G replaced by T.
Protein change: p.Cys97Phe; replaces cysteine 97 with phenylalanine.
Molecular consequence: missense variant.
Genome position (GRCh38, 1-based): chr10:110,964,648, G>T. VCF-style: chr10-110964648-G-T. GRCh37 (hg19) VCF-style: chr10-112724406-G-T.
Other names: c.290G>T, p.Cys97Phe (NM_001269039.3, NM_001324336.2, NM_001324337.2); short protein forms C97F.
Identifiers: ClinVar variation 2450868 (VCV002450868.2), dbSNP rs2493839092, ClinGen allele CA378383628.
Genomic context (GRCh38, chr10:110,964,648, plus strand): 5'-CAGCACCTGGGACTAGAAAAAAATCCAGCAATGCAGAGGTGATTAAAGAGCTCAACAAAT[G>T]CCGGGAAGAGAATTCAATGCGTTTGGACTTATCCAAGAGATCTATACACATATTGCCATC-3'
Protein context (NP_031399.2, residues 87-107): NAEVIKELNK[Cys97Phe]REENSMRLDL

ClinVar aggregate classification (germline): Uncertain significance (1 of 4 stars; one submission).

Conditions:
Cardiovascular phenotype. Identifiers: MedGen CN230736.

Submission:

Ambry Genetics
Classification: Uncertain significance for Cardiovascular phenotype. Last evaluated: 2022-11-10. Review status: criteria provided, single submitter. Criteria: Ambry Variant Classification Scheme 2023. Collection method: clinical testing. Allele origin: germline.
Comment: The p.C97F variant (also known as c.290G>T), located in coding exon 1 of the SHOC2 gene, results from a G to T substitution at nucleotide position 290. The cysteine at codon 97 is replaced by phenylalanine, an amino acid with highly dissimilar properties. This amino acid position is conserved. In addition, this alteration is predicted to be deleterious by in silico analysis. Since supporting evidence is limited at this time, the clinical significance of this alteration remains unclear.